The following is an entry in ClinVar:

NM_181784.3(SPRED2):c.438A>G (p.Thr146=)

Gene: SPRED2 (sprouty related EVH1 domain containing 2; minus strand). Cytogenetic location: 2p14.
Variant type: single nucleotide variant.
Coding change: c.438A>G on transcript NM_181784.3 (MANE Select); coding-DNA position 438, A replaced by G.
Protein change: p.Thr146=; no amino-acid change (threonine 146 retained).
Molecular consequence: synonymous variant.
Genome position (GRCh38, 1-based): chr2:65,331,987, T>C on the plus strand (A>G on the coding strand, the complement: SPRED2 is on the minus strand). VCF-style: chr2-65331987-T-C. GRCh37 (hg19) VCF-style: chr2-65559121-T-C.
Other names: c.429A>G, p.Thr143= (NM_001128210.2).
Identifiers: ClinVar variation 4853255 (VCV004853255.3).

ClinVar aggregate classification (germline): Conflicting classifications of pathogenicity. Review status: criteria provided, conflicting classifications (1 of 4 stars). 2 submissions from 2 submitters: Uncertain significance (1); Likely benign (1). Last evaluated 2026-07-01.

gnomAD v4.1: 180 of 1,605,424 alleles (0.011%); highest among the groups gnomAD compares: Admixed American, 0.051%; no homozygotes.

Submissions (2):

CeGaT Center for Human Genetics Tuebingen
Classification: Likely benign. Last evaluated: 2026-07-01. Review status: criteria provided, single submitter. Criteria: CeGaT Center For Human Genetics Tuebingen Variant Classification Criteria Version 2. Collection method: clinical testing. Allele origin: germline. Affected: yes. Observed: 2 variant alleles.
Comment: SPRED2: BP4, BP7

Women's Health and Genetics/Laboratory Corporation of America, LabCorp
Classification: Uncertain significance. Last evaluated: 2026-05-12. Review status: criteria provided, single submitter. Criteria: LabCorp Variant Classification Summary - May 2015. Collection method: clinical testing. Allele origin: germline.